The following is an entry in ClinVar:

ClinVar aggregate classification (germline): Uncertain significance (1 of 4 stars; one submission).

Conditions:
Hereditary cancer-predisposing syndrome. Also called: Tumor predisposition; Hereditary neoplastic syndrome; Neoplastic Syndromes, Hereditary; Hereditary Cancer Syndrome. Identifiers: Orphanet 140162, MedGen C0027672, MeSH D009386, MONDO:0015356.

gnomAD v4.1: 1 of 1,613,444 alleles (0.000062%); highest among the groups gnomAD compares: Non-Finnish European, 0.000085%; no homozygotes.

Submission:

Ambry Genetics
Classification: Uncertain significance for Hereditary cancer-predisposing syndrome. Last evaluated: 2025-04-17. Review status: criteria provided, single submitter. Criteria: Ambry Variant Classification Scheme 2023. Collection method: clinical testing. Allele origin: germline.
Comment: The p.T1074S variant (also known as c.3220A>T), located in coding exon 27 of the EGFR gene, results from an A to T substitution at nucleotide position 3220. The threonine at codon 1074 is replaced by serine, an amino acid with similar properties. This amino acid position is highly conserved in available vertebrate species. In addition, the in silico prediction for this alteration is inconclusive. Based on the available evidence, the clinical significance of this variant remains unclear.

NM_005228.5(EGFR):c.3220A>T (p.Thr1074Ser)

Gene: EGFR (epidermal growth factor receptor; plus strand). Cytogenetic location: 7p11.2.
Variant type: single nucleotide variant.
Coding change: c.3220A>T on transcript NM_005228.5 (MANE Select); coding-DNA position 3220, A replaced by T.
Protein change: p.Thr1074Ser; replaces threonine 1074 with serine.
Molecular consequence: missense variant.
Genome position (GRCh38, 1-based): chr7:55,202,574, A>T. VCF-style: chr7-55202574-A-T. GRCh37 (hg19) VCF-style: chr7-55270267-A-T.
Other names: c.3085A>T, p.Thr1029Ser (NM_001346897.2, NM_001346899.2); c.3220A>T, p.Thr1074Ser (NM_001346898.2); c.3061A>T, p.Thr1021Ser (NM_001346900.2); c.2419A>T, p.Thr807Ser (NM_001346941.2); short protein forms T1074S, T807S, T1029S, T1021S.
Identifiers: ClinVar variation 4016707 (VCV004016707.1).
Genomic context (GRCh38, chr7:55,202,574, plus strand): 5'-CAGCTGCAAAGCTGTCCCATCAAGGAAGACAGCTTCTTGCAGCGATACAGCTCAGACCCC[A>T]CAGGCGCCTTGACTGAGGACAGCATAGACGACACCTTCCTCCCAGTGCCTGGTGAGTGGC-3'
Protein context (NP_005219.2, residues 1064-1084): SFLQRYSSDP[Thr1074Ser]GALTEDSIDD